The following is an entry in ClinVar:

NM_000257.4(MYH7):c.5192A>T (p.Asp1731Val)

Genes: MYH7 (myosin heavy chain 7; minus strand), MHRT (myosin heavy chain associated RNA transcript; plus strand), LOC126861897 (BRD4-independent group 4 enhancer GRCh37_chr14:23884455-23885654; plus strand). Cytogenetic location: 14q11.2.
Variant type: single nucleotide variant.
Coding change: c.5192A>T on transcript NM_000257.4 (MANE Select); coding-DNA position 5192, A replaced by T.
Protein change: p.Asp1731Val; replaces aspartic acid 1731 with valine.
Molecular consequence: missense variant. On other transcripts: non-coding transcript variant (1).
Genome position (GRCh38, 1-based): chr14:23,415,472, T>A on the plus strand (A>T on the coding strand, the complement: MYH7 is on the minus strand). VCF-style: chr14-23415472-T-A. GRCh37 (hg19) VCF-style: chr14-23884681-T-A.
Other names: short protein forms D1731V.
Identifiers: ClinVar variation 43058 (VCV000043058.10), dbSNP rs397516240, ClinGen allele CA015761.

ClinVar aggregate classification (germline): Uncertain significance. Review status: criteria provided, multiple submitters, no conflicts (2 of 4 stars). 5 submissions from 5 submitters: Uncertain significance (5). Last evaluated 2025-06-18.

Conditions:
Hypertrophic cardiomyopathy 1 (CMH1). Also called: MYH7-Related Familial Hypertrophic Cardiomyopathy; Familial hypertrophic cardiomyopathy 1. Identifiers: MedGen C3495498, MONDO:0008647, OMIM 192600.
Myosin storage myopathy (CMYO7A). Also called: SCAPULOPERONEAL MUSCULAR DYSTROPHY; SCAPULOPERONEAL SYNDROME, MYOPATHIC TYPE; MYH7-related late-onset scapuloperoneal muscular dystrophy; Congenital myopathy 7A, myosin storage, autosomal dominant; MYOPATHY WITH LYSIS OF TYPE I MYOFIBRILS; Scapuloperoneal myopathy, MYH7-related. Identifiers: Orphanet 437572, Orphanet 636965, MedGen C1842160, MONDO:0008409, OMIM 608358.
Congenital myopathy with fiber type disproportion. Also called: Congenital fiber-type disproportion myopathy; Congenital fiber-type disproportion. Identifiers: Orphanet 2020, MedGen C0546264, MONDO:0009711. Inheritance: all.
Myopathy, myosin storage, autosomal recessive (CMYO7B). Also called: CONGENITAL MYOPATHY 7B, MYOSIN STORAGE, AUTOSOMAL RECESSIVE. Identifiers: Orphanet 636970, MedGen C1850709, MONDO:0009708, OMIM 255160.
MYH7-related skeletal myopathy. Also called: Laing distal myopathy; Myopathy, distal, 1; MYOPATHY, DISTAL, EARLY-ONSET, AUTOSOMAL DOMINANT; MYOPATHY, LATE DISTAL HEREDITARY; Laing early-onset distal myopathy. Identifiers: Orphanet 59135, MedGen C4552004, MONDO:0008050, OMIM 160500.
Dilated cardiomyopathy 1S (CMD1S). Identifiers: Orphanet 154, Orphanet 54260, MedGen C1834481, MONDO:0013262, OMIM 613426.
Cardiomyopathy (CMYO). Also called: Cardiomyopathies. Identifiers: Orphanet 167848, MedGen C0878544, MONDO:0004994, HP:0001638. Inheritance: Various modes of inheritance.
Hypertrophic cardiomyopathy. Also called: HYPERTROPHIC MYOCARDIOPATHY. Identifiers: Orphanet 217569, MedGen C0007194, MeSH D002312, MONDO:0005045, HP:0001639.

Allele frequency attached by ClinVar (database versions not stated): TOPMed below 0.00001; gnomAD exomes 0.00001.
gnomAD v4.1: 4 of 1,614,244 alleles (0.00025%); highest among the groups gnomAD compares: Non-Finnish European, 0.00034%; no homozygotes.

Submissions (5):

Labcorp Genetics (formerly Invitae), Labcorp
Classification: Uncertain significance for Hypertrophic cardiomyopathy. Last evaluated: 2025-06-18. Review status: criteria provided, single submitter. Criteria: Invitae Variant Classification Sherloc (09022015). Collection method: clinical testing. Allele origin: germline.
Comment: This sequence change replaces aspartic acid, which is acidic and polar, with valine, which is neutral and non-polar, at codon 1731 of the MYH7 protein (p.Asp1731Val). This variant is not present in population databases (gnomAD no frequency). This missense change has been observed in individual(s) with hypertrophic cardiomyopathy (PMID: 25611685, 27532257, 37652022). ClinVar contains an entry for this variant (Variation ID: 43058). Invitae Evidence Modeling of protein sequence and biophysical properties (such as structural, functional, and spatial information, amino acid conservation, physicochemical variation, residue mobility, and thermodynamic stability) has been performed for this missense variant. However, the output from this modeling did not meet the statistical confidence thresholds required to predict the impact of this variant on MYH7 protein function. In summary, the available evidence is currently insufficient to determine the role of this variant in disease. Therefore, it has been classified as a Variant of Uncertain Significance.

All of Us Research Program, National Institutes of Health
Classification: Uncertain significance for Cardiomyopathy. Last evaluated: 2023-11-28. Review status: criteria provided, single submitter. Criteria: ACMG Guidelines, 2015. Collection method: clinical testing. Allele origin: germline. Inheritance: Autosomal dominant inheritance. Observed: 4 variant alleles, 4 heterozygotes.
Comment: This missense variant replaces aspartic acid with valine at codon 1731 of the MYH7 protein. Computational prediction is inconclusive regarding the impact of this variant on protein structure and function (internally defined REVEL score threshold 0.5 < inconclusive < 0.7, PMID: 27666373). To our knowledge, functional studies have not been reported for this variant. This variant has been reported in an individual affected with hypertrophic cardiomyopathy (PMID: 25611685, 27532257). This variant has not been identified in the general population by the Genome Aggregation Database (gnomAD). The available evidence is insufficient to determine the role of this variant in disease conclusively. Therefore, this variant is classified as a Variant of Uncertain Significance.

This study involves interpretation of variants in research participants for the purpose of population health screening. Participant phenotype was not available at the time of variant classification. Additional details can be found in publication PMID: 35346344, PMCID: PMC8962531

Color Diagnostics, LLC DBA Color Health
Classification: Uncertain significance for Cardiomyopathy. Last evaluated: 2023-03-22. Review status: criteria provided, single submitter. Criteria: ACMG Guidelines, 2015. Collection method: clinical testing. Allele origin: germline.
Comment: This missense variant replaces aspartic acid with valine at codon 1731 of the MYH7 protein. Computational prediction is inconclusive regarding the impact of this variant on protein structure and function (internally defined REVEL score threshold 0.5 < inconclusive < 0.7, PMID: 27666373). To our knowledge, functional studies have not been reported for this variant. This variant has been reported in an individual affected with hypertrophic cardiomyopathy (PMID: 25611685, 27532257). This variant has not been identified in the general population by the Genome Aggregation Database (gnomAD). The available evidence is insufficient to determine the role of this variant in disease conclusively. Therefore, this variant is classified as a Variant of Uncertain Significance.

Fulgent Genetics
Classification: Uncertain significance for MYH7-related skeletal myopathy; Myosin storage myopathy; Hypertrophic cardiomyopathy 1; Myopathy, myosin storage, autosomal recessive; Congenital myopathy 4A, autosomal dominant; Dilated cardiomyopathy 1S. Last evaluated: 2021-09-14. Review status: criteria provided, single submitter. Criteria: ACMG Guidelines, 2015. Collection method: clinical testing. Allele origin: unknown.

Laboratory for Molecular Medicine, Mass General Brigham Personalized Medicine
Classification: Uncertain significance. Last evaluated: 2015-11-09. Review status: criteria provided, single submitter. Criteria: LMM Criteria. Collection method: clinical testing. Allele origin: germline. Observed: 4 variant alleles.
Comment: proposed classification - variant undergoing re-assessment, contact laboratory

Literature cited by the submitters: PubMed 25611685 (cited by 3 submitters); PubMed 27532257 (cited by 3 submitters); PubMed 37652022 (cited by Labcorp Genetics (formerly Invitae), Labcorp).